The following is an entry in ClinVar:

ClinVar aggregate classification (germline): Uncertain significance. Review status: criteria provided, multiple submitters, no conflicts (2 of 4 stars). 2 submissions from 2 submitters: Uncertain significance (2). Last evaluated 2025-11-02.

gnomAD v4.1: 9 of 1,614,116 alleles (0.00056%); highest among the groups gnomAD compares: Non-Finnish European, 0.00076%; no homozygotes.

Submissions (2):

Ambry Genetics
Classification: Uncertain significance. Last evaluated: 2025-11-02. Review status: criteria provided, single submitter. Criteria: Ambry Variant Classification Scheme 2023. Collection method: clinical testing. Allele origin: germline.

GeneDx
Classification: Uncertain significance. Last evaluated: 2024-10-17. Review status: criteria provided, single submitter. Criteria: GeneDx Variant Classification Process June 2021. Collection method: clinical testing. Allele origin: germline. Affected: yes.
Comment: Not observed at significant frequency in large population cohorts (gnomAD); In silico analysis indicates that this missense variant does not alter protein structure/function; Has not been previously published as pathogenic or benign to our knowledge

NM_003640.5(ELP1):c.2428G>C (p.Asp810His)

Gene: ELP1 (elongator acetyltransferase complex subunit 1; minus strand). Cytogenetic location: 9q31.3.
Variant type: single nucleotide variant.
Coding change: c.2428G>C on transcript NM_003640.5 (MANE Select); coding-DNA position 2428, G replaced by C.
Protein change: p.Asp810His; replaces aspartic acid 810 with histidine.
Molecular consequence: missense variant.
Genome position (GRCh38, 1-based): chr9:108,897,221, C>G on the plus strand (G>C on the coding strand, the complement: ELP1 is on the minus strand). VCF-style: chr9-108897221-C-G. GRCh37 (hg19) VCF-style: chr9-111659501-C-G.
Other names: c.2086G>C, p.Asp696His (NM_001318360.2); c.1381G>C, p.Asp461His (NM_001330749.2); short protein forms D461H, D810H, D696H.
Identifiers: ClinVar variation 3781271 (VCV003781271.2).